The following is an entry in ClinVar:

ClinVar aggregate classification (germline): Likely pathogenic. Review status: criteria provided, single submitter (1 of 4 stars). 2 submissions from 2 submitters: Likely pathogenic (1). 1 of the submissions does not count toward it. Last evaluated 2025-01-21.

Conditions:
Ehlers-Danlos syndrome, type 4 (EDSVASC). Also called: Ehlers-Danlos syndrome vascular type; Ehlers Danlos syndrome, ecchymotic type; Ehlers Danlos syndrome, arterial type; Ehlers Danlos syndrome, Sack-Barabas type; Ehlers-Danlos Syndrome Type IV. Identifiers: Orphanet 286, MedGen C0268338, MONDO:0017314, OMIM 130050.

Submissions (2):

Labcorp Genetics (formerly Invitae), Labcorp
Classification: Likely pathogenic for Ehlers-Danlos syndrome, type 4. Last evaluated: 2025-01-21. Review status: criteria provided, single submitter. Criteria: Invitae Variant Classification Sherloc (09022015). Collection method: clinical testing. Allele origin: germline.
Comment: This sequence change replaces glycine, which is neutral and non-polar, with aspartic acid, which is acidic and polar, at codon 219 of the COL3A1 protein (p.Gly219Asp). This variant is not present in population databases (gnomAD no frequency). This missense change has been observed in individual(s) with clinical features of Ehlers–Danlos syndrome, type IV (PMID: 24922459; internal data). ClinVar contains an entry for this variant (Variation ID: 101360). Invitae Evidence Modeling of protein sequence and biophysical properties (such as structural, functional, and spatial information, amino acid conservation, physicochemical variation, residue mobility, and thermodynamic stability) indicates that this missense variant is expected to disrupt COL3A1 protein function with a positive predictive value of 95%. This variant disrupts the triple helix domain of COL3A1. Glycine residues within the Gly-Xaa-Yaa repeats of the triple helix domain are required for the structure and stability of fibrillar collagens (PMID: 7695699, 8218237, 19344236). In COL3A1, variants that affect these glycine residues are significantly enriched in individuals with disease (PMID: 24922459, 25758994) compared to the general population (ExAC). In summary, the currently available evidence indicates that the variant is pathogenic, but additional data are needed to prove that conclusively. Therefore, this variant has been classified as Likely Pathogenic.

Collagen Diagnostic Laboratory, University of Washington
Classification: Pathogenic for Ehlers-Danlos syndrome, type 4. Review status: no assertion criteria provided. Collection method: clinical testing. Allele origin: germline. Affected: yes. Not counted in ClinVar's aggregate classification.

Literature cited by the submitters: PubMed 24922459 (cited by Labcorp Genetics (formerly Invitae), Labcorp); PubMed 7695699 (cited by Labcorp Genetics (formerly Invitae), Labcorp); PubMed 8218237 (cited by Labcorp Genetics (formerly Invitae), Labcorp); PubMed 19344236 (cited by Labcorp Genetics (formerly Invitae), Labcorp); PubMed 25758994 (cited by Labcorp Genetics (formerly Invitae), Labcorp).

NM_000090.4(COL3A1):c.656G>A (p.Gly219Asp)

Gene: COL3A1 (collagen type III alpha 1 chain; plus strand). Cytogenetic location: 2q32.2.
Variant type: single nucleotide variant.
Coding change: c.656G>A on transcript NM_000090.4 (MANE Select); coding-DNA position 656, G replaced by A.
Protein change: p.Gly219Asp; replaces glycine 219 with aspartic acid.
Molecular consequence: missense variant.
Genome position (GRCh38, 1-based): chr2:188,989,415, G>A. VCF-style: chr2-188989415-G-A. GRCh37 (hg19) VCF-style: chr2-189854141-G-A.
Identifiers: ClinVar variation 101360 (VCV000101360.4), dbSNP rs587779441, ClinGen allele CA007202.